The following continues an entry in ClinVar:

NM_207346.3(TSEN54):c.919G>T (p.Ala307Ser)

ClinVar aggregate classification (germline): Pathogenic/Likely pathogenic. Pathogenic (40); Likely pathogenic (1).

Submissions 50 to 57 of 57:

Dr. Peter K. Rogan Lab, Western University
No classification provided (evidence only). Condition: Cervical cancer. Review status: no classification provided. Collection method: in vitro. Allele origin: not applicable. Functional consequence: cryptic splice site. Not counted in ClinVar's aggregate classification.

Dr. Peter K. Rogan Lab, Western University
No classification provided (evidence only). Condition: Sarcoma. Review status: no classification provided. Collection method: in vitro. Allele origin: not applicable. Functional consequence: cryptic splice site. Not counted in ClinVar's aggregate classification.

Dr. Peter K. Rogan Lab, Western University
No classification provided (evidence only). Condition: Sarcoma. Review status: no classification provided. Collection method: in vitro. Allele origin: not applicable. Functional consequence: cryptic splice site. Not counted in ClinVar's aggregate classification.

GeneReviews
No classification provided. Condition: Pontocerebellar hypoplasia type 2A. Review status: no classification provided. Collection method: literature only. Allele origin: unknown. Not counted in ClinVar's aggregate classification.

Genome Diagnostics Laboratory, Amsterdam University Medical Center
Classification: Pathogenic. Review status: no assertion criteria provided. Collection method: clinical testing. Allele origin: germline. Affected: yes. Study: VKGL Data-share Consensus. Not counted in ClinVar's aggregate classification.

Genomics England Pilot Project, Genomics England
Classification: Likely pathogenic for Pontocerebellar hypoplasia type 4. Review status: no assertion criteria provided. Criteria: ACGS Guidelines, 2016. Collection method: clinical testing. Allele origin: germline. Affected: yes. Not counted in ClinVar's aggregate classification.

Hong-Tao Li Lab, Institute of Brain Science and Brain-inspired Research, Shandong First Medical University & Shandong Academy of Medical Sciences China
Classification: Pathogenic for Pontocerebellar hypoplasia type 2A. Review status: no assertion criteria provided. Collection method: research. Allele origin: germline. Inheritance: Autosomal recessive inheritance. Affected: yes. Observed: 1 variant allele, 1 homozygote. Not counted in ClinVar's aggregate classification.
Comment: Observed in affected individuals from a Pakistani neurodevelopmental-disorder research cohort of 263 individuals. Classification assigned using the ACMG/AMP framework. Population-frequency evidence: gnomAD AF 0.0008849.

Joint Genome Diagnostic Labs from Nijmegen and Maastricht, Radboudumc and MUMC+
Classification: Pathogenic. Review status: no assertion criteria provided. Collection method: clinical testing. Allele origin: germline. Affected: yes. Study: VKGL Data-share Consensus. Not counted in ClinVar's aggregate classification.

Literature cited by the submitters: PubMed 20301773 (cited by 3 submitters); PubMed 29410950 (cited by 5 submitters); PubMed 27570394 (cited by 4 submitters); PubMed 20803644 (cited by 5 submitters); PubMed 18711368 (cited by 10 submitters); PubMed 24886362 (cited by 7 submitters); PubMed 26701950 (cited by 5 submitters); PubMed 27430971 (cited by 5 submitters); PubMed 23307886 (cited by 4 submitters); PubMed 31623504 (cited by Variantyx, Inc.); PubMed 21609947 (cited by 3 submitters); PubMed 20952379 (cited by 5 submitters); PubMed 20956791 (cited by 5 submitters); PubMed 18485778 (cited by Keimyung University Dongsan Hospital, Keimyung University School of Medicine); PubMed 15109492 (cited by Rady Children's Institute for Genomic Medicine, Rady Children's Hospital San Diego); PubMed 21368912 (cited by 4 submitters); PubMed 21468723 (cited by Rady Children's Institute for Genomic Medicine, Rady Children's Hospital San Diego and Laboratory for Molecular Medicine, Mass General Brigham Personalized Medicine); PubMed 29286531 (cited by Rady Children's Institute for Genomic Medicine, Rady Children's Hospital San Diego); PubMed 38347586 (cited by Rady Children's Institute for Genomic Medicine, Rady Children's Hospital San Diego); PubMed 16470708 (cited by Ambry Genetics); PubMed 23177318 (cited by Baylor Genetics and Laboratory for Molecular Medicine, Mass General Brigham Personalized Medicine); PubMed 25326635 (cited by Baylor Genetics); PubMed 19459882 (cited by Laboratory for Molecular Medicine, Mass General Brigham Personalized Medicine); NCBI Bookshelf NBK9673 (cited by GeneReviews).